The following is an entry in ClinVar:

NM_001928.4(CFD):c.181G>A (p.Val61Met)

Gene: CFD (complement factor D; plus strand). Cytogenetic location: 19p13.3.
Variant type: single nucleotide variant.
Coding change: c.181G>A on transcript NM_001928.4 (MANE Select); coding-DNA position 181, G replaced by A.
Protein change: p.Val61Met; replaces valine 61 with methionine.
Molecular consequence: missense variant.
Genome position (GRCh38, 1-based): chr19:860,742, G>A. VCF-style: chr19-860742-G-A. GRCh37 (hg19) VCF-style: chr19-860742-G-A.
Other names: c.202G>A, p.Val68Met (NM_001317335.2); short protein forms V68M, V61M.
Identifiers: ClinVar variation 1919854 (VCV001919854.3), dbSNP rs577452799, ClinGen allele CA9026235.

ClinVar aggregate classification (germline): Uncertain significance. Review status: criteria provided, multiple submitters, no conflicts (2 of 4 stars). 2 submissions from 2 submitters: Uncertain significance (2). Last evaluated 2024-01-23.

Allele frequency attached by ClinVar (database versions not stated): gnomAD 0.00002; TOPMed 0.00002; ExAC 0.00007; gnomAD exomes 0.00011; 1000 Genomes Project 30x 0.00016; 1000 Genomes Project 0.00020.
gnomAD v4.1: 161 of 1,568,346 alleles (0.01%); highest among the groups gnomAD compares: Non-Finnish European, 0.013%; no homozygotes.

Submissions (2):

Ambry Genetics
Classification: Uncertain significance. Last evaluated: 2024-01-23. Review status: criteria provided, single submitter. Criteria: Ambry Variant Classification Scheme 2023. Collection method: clinical testing. Allele origin: germline.

Labcorp Genetics (formerly Invitae), Labcorp
Classification: Uncertain significance. Last evaluated: 2022-09-19. Review status: criteria provided, single submitter. Criteria: Invitae Variant Classification Sherloc (09022015). Collection method: clinical testing. Allele origin: germline.
Comment: This sequence change replaces valine, which is neutral and non-polar, with methionine, which is neutral and non-polar, at codon 61 of the CFD protein (p.Val61Met). The frequency data for this variant in the population databases is considered unreliable, as metrics indicate poor data quality at this position in the gnomAD database. This variant has not been reported in the literature in individuals affected with CFD-related conditions. Algorithms developed to predict the effect of missense changes on protein structure and function are either unavailable or do not agree on the potential impact of this missense change (SIFT: "Not Available"; PolyPhen-2: "Probably Damaging"; Align-GVGD: "Not Available"). In summary, the available evidence is currently insufficient to determine the role of this variant in disease. Therefore, it has been classified as a Variant of Uncertain Significance.